The following is an entry in ClinVar:

NM_004329.3(BMPR1A):c.276A>G (p.Gly92=)

Gene: BMPR1A (bone morphogenetic protein receptor type 1A; plus strand). Cytogenetic location: 10q23.2.
Variant type: single nucleotide variant.
Coding change: c.276A>G on transcript NM_004329.3 (MANE Select); coding-DNA position 276, A replaced by G.
Protein change: p.Gly92=; no amino-acid change (glycine 92 retained).
Molecular consequence: synonymous variant.
Genome position (GRCh38, 1-based): chr10:86,892,172, A>G. VCF-style: chr10-86892172-A-G. GRCh37 (hg19) VCF-style: chr10-88651929-A-G.
Identifiers: ClinVar variation 631183 (VCV000631183.14), dbSNP rs1564715466, ClinGen allele CA470305079.
Genomic context (GRCh38, chr10:86,892,172, plus strand): 5'-TTTTTTCTGTTTTAGAACTAATGGACATTGCTTTGCCATCATAGAAGAAGATGACCAGGG[A>G]GAAACCACATTAGCTTCAGGGTGTATGAAATATGAAGGATCTGATTTTCAGTGCAAAGTA-3'
Protein context (NP_004320.2, residues 82-102): CFAIIEEDDQ[Gly92=]ETTLASGCMK

ClinVar aggregate classification (germline): Benign/Likely benign. Review status: criteria provided, multiple submitters, no conflicts (2 of 4 stars). 4 submissions from 4 submitters: Benign (1); Likely benign (3). Last evaluated 2025-03-09.

Conditions:
Hereditary cancer-predisposing syndrome. Also called: Hereditary Cancer Syndrome; Neoplastic Syndromes, Hereditary; Tumor predisposition; Hereditary neoplastic syndrome. Identifiers: Orphanet 140162, MedGen C0027672, MeSH D009386, MONDO:0015356.
Juvenile polyposis syndrome (JPS). Identifiers: Orphanet 2929, MedGen C0345893, MONDO:0017380, OMIM 174900.

Allele frequency attached by ClinVar (database versions not stated): gnomAD exomes below 0.00001; gnomAD 0.00001.
gnomAD v4.1: 1 of 1,614,074 alleles (0.000062%); highest among the groups gnomAD compares: Non-Finnish European, 0.000085%; no homozygotes.

Submissions (4):

Labcorp Genetics (formerly Invitae), Labcorp
Classification: Likely benign for Juvenile polyposis syndrome. Last evaluated: 2025-03-09. Review status: criteria provided, single submitter. Criteria: Invitae Variant Classification Sherloc (09022015). Collection method: clinical testing. Allele origin: germline.

Ambry Genetics
Classification: Likely benign for Hereditary cancer-predisposing syndrome. Last evaluated: 2024-10-11. Review status: criteria provided, single submitter. Criteria: Ambry Variant Classification Scheme 2023. Collection method: clinical testing. Allele origin: germline.

Myriad Genetics, Inc.
Classification: Benign for Juvenile polyposis syndrome. Last evaluated: 2024-07-31. Review status: criteria provided, single submitter. Criteria: Myriad Autosomal Dominant, Autosomal Recessive and X-Linked Classification Criteria (2023). Collection method: clinical testing. Allele origin: unknown.
Comment: This variant is considered benign. This variant is a silent/synonymous amino acid change and it is not expected to impact splicing.

Color Diagnostics, LLC DBA Color Health
Classification: Likely benign for Hereditary cancer-predisposing syndrome. Last evaluated: 2018-01-17. Review status: criteria provided, single submitter. Criteria: ACMG Guidelines, 2015. Collection method: clinical testing. Allele origin: germline.